The following is an entry in ClinVar:

NM_001079802.2(FKTN):c.374G>A (p.Gly125Asp)

Gene: FKTN (fukutin; plus strand). Cytogenetic location: 9q31.2.
Variant type: single nucleotide variant.
Coding change: c.374G>A on transcript NM_001079802.2 (MANE Select); coding-DNA position 374, G replaced by A.
Protein change: p.Gly125Asp; replaces glycine 125 with aspartic acid.
Molecular consequence: missense variant. On other transcripts: 5 prime UTR variant (4), non-coding transcript variant (2).
Genome position (GRCh38, 1-based): chr9:105,604,219, G>A. VCF-style: chr9-105604219-G-A. GRCh37 (hg19) VCF-style: chr9-108366500-G-A.
Other names: c.374G>A, p.Gly125Asp (NM_001198963.2, NM_001351496.2, NM_001351498.2 and 1 more transcripts); c.305G>A, p.Gly102Asp (NM_001351497.2); c.-23G>A (NM_001351499.2, NM_001351500.2, NM_001351501.2 and 1 more transcripts); short protein forms G102D, G125D.
Identifiers: ClinVar variation 850972 (VCV000850972.12), dbSNP rs142783718, ClinGen allele CA5170397.

ClinVar aggregate classification (germline): Uncertain significance. Review status: criteria provided, multiple submitters, no conflicts (2 of 4 stars). 3 submissions from 3 submitters: Uncertain significance (2). 1 of the submissions does not count toward it. Last evaluated 2025-03-05.

Conditions:
Cardiovascular phenotype. Identifiers: MedGen CN230736.
Walker-Warburg congenital muscular dystrophy. Also called: Muscular dystrophy-dystroglycanopathy, type A; Walker-Warburg syndrome. Identifiers: Orphanet 899, MedGen C0265221, MONDO:0000171.

Allele frequency attached by ClinVar (database versions not stated): TOPMed 0.00002.
gnomAD v4.1: 27 of 1,612,224 alleles (0.0017%); highest among the groups gnomAD compares: Non-Finnish European, 0.0023%; no homozygotes.

Submissions (3):

Ambry Genetics
Classification: Uncertain significance for Cardiovascular phenotype. Last evaluated: 2025-03-05. Review status: criteria provided, single submitter. Criteria: Ambry Variant Classification Scheme 2023. Collection method: clinical testing. Allele origin: germline.
Comment: The p.G125D variant (also known as c.374G>A), located in coding exon 4 of the FKTN gene, results from a G to A substitution at nucleotide position 374. The glycine at codon 125 is replaced by aspartic acid, an amino acid with similar properties. This amino acid position is not well conserved in available vertebrate species. In addition, the in silico prediction for this alteration is inconclusive. Based on the available evidence, the clinical significance of this variant remains unclear.

Labcorp Genetics (formerly Invitae), Labcorp
Classification: Uncertain significance for Walker-Warburg congenital muscular dystrophy. Last evaluated: 2022-07-27. Review status: criteria provided, single submitter. Criteria: Invitae Variant Classification Sherloc (09022015). Collection method: clinical testing. Allele origin: germline.
Comment: This sequence change replaces glycine, which is neutral and non-polar, with aspartic acid, which is acidic and polar, at codon 125 of the FKTN protein (p.Gly125Asp). This variant is present in population databases (rs142783718, gnomAD 0.003%). This missense change has been observed in individual(s) with autosomal recessive dilated cardiomyopathy (Invitae). ClinVar contains an entry for this variant (Variation ID: 850972). Algorithms developed to predict the effect of missense changes on protein structure and function (SIFT, PolyPhen-2, Align-GVGD) all suggest that this variant is likely to be tolerated. In summary, the available evidence is currently insufficient to determine the role of this variant in disease. Therefore, it has been classified as a Variant of Uncertain Significance.

Natera, Inc.
Classification: Uncertain significance for Walker-Warburg congenital muscular dystrophy. Last evaluated: 2020-03-11. Review status: no assertion criteria provided. Collection method: clinical testing. Allele origin: germline. Not counted in ClinVar's aggregate classification.